The following is an entry in ClinVar:

ClinVar aggregate classification (germline): Uncertain significance (1 of 4 stars; one submission).

Submission:

Ambry Genetics
Classification: Uncertain significance. Last evaluated: 2026-06-10. Review status: criteria provided, single submitter. Criteria: Ambry Variant Classification Scheme 2023. Collection method: clinical testing. Allele origin: germline.
Comment: The p.H1668Q variant (also known as c.5004T>A), located in coding exon 21 of the WNK2 gene, results from a T to A substitution at nucleotide position 5004. The histidine at codon 1668 is replaced by glutamine, an amino acid with highly similar properties. This amino acid position is conserved. In addition, this alteration is predicted to be tolerated by in silico analysis. Based on the available evidence, the clinical significance of this variant remains unclear.

NM_006648.4(WNK2):c.5004T>A (p.His1668Gln)

Gene: WNK2 (WNK lysine deficient protein kinase 2; plus strand). Cytogenetic location: 9q22.31.
Variant type: single nucleotide variant.
Coding change: c.5004T>A on transcript NM_006648.4 (MANE Select); coding-DNA position 5004, T replaced by A.
Protein change: p.His1668Gln; replaces histidine 1668 with glutamine.
Molecular consequence: missense variant.
Genome position (GRCh38, 1-based): chr9:93,292,375, T>A. VCF-style: chr9-93292375-T-A. GRCh37 (hg19) VCF-style: chr9-96054657-T-A.
Other names: c.5115T>A, p.His1705Gln (NM_001282394.3); short protein forms H1668Q, H1705Q.
Identifiers: ClinVar variation 4866755 (VCV004866755.1).
Genomic context (GRCh38, chr9:93,292,375, plus strand): 5'-GTCTCCCAGGAGTATGCTAGGCTATGACAGAGATGGAAGGCAGGTGGCCTCAGACTCCCA[T>A]GTGGTCCCCAGCGTCCCCCAGGTAAGGGCGACTTGACGACCCCCTGGCTGGTTGGCAGGG-3'
Protein context (NP_006639.3, residues 1658-1678): RDGRQVASDS[His1668Gln]VVPSVPQDVP